The following is an entry in ClinVar:

NM_033656.4(BRWD1):c.6393G>A (p.Ser2131=)

Gene: BRWD1 (bromodomain and WD repeat domain containing 1; minus strand). Cytogenetic location: 21q22.2.
Variant type: single nucleotide variant.
Coding change: c.6393G>A on transcript NM_033656.4 (MANE Select); coding-DNA position 6393, G replaced by A.
Protein change: p.Ser2131=; no amino-acid change (serine 2131 retained).
Molecular consequence: synonymous variant.
Genome position (GRCh38, 1-based): chr21:39,196,676, C>T on the plus strand (G>A on the coding strand, the complement: BRWD1 is on the minus strand). VCF-style: chr21-39196676-C-T. GRCh37 (hg19) VCF-style: chr21-40568602-C-T.
Other names: c.6393G>A, p.Ser2131= (NM_018963.5).
Identifiers: ClinVar variation 3042792 (VCV003042792.2), dbSNP rs147384341, ClinGen allele CA10026324.

ClinVar aggregate classification (germline): Likely benign (0 of 4 stars; one submission).

Conditions:
BRWD1-related disorder. Also called: BRWD1-related condition.

Allele frequency attached by ClinVar (database versions not stated): ESP Exome Variant Server 0.00031.
gnomAD v4.1: 651 of 1,613,904 alleles (0.04%); highest among the groups gnomAD compares: Middle Eastern, 0.082%; 2 homozygotes.

Submission:

PreventionGenetics, part of Exact Sciences
Classification: Likely benign for BRWD1-related condition. Last evaluated: 2019-04-08. Review status: no assertion criteria provided. Collection method: clinical testing. Allele origin: germline.
Comment: This variant is classified as likely benign based on ACMG/AMP sequence variant interpretation guidelines (Richards et al. 2015 PMID: 25741868, with internal and published modifications).